The following is an entry in ClinVar:

ClinVar aggregate classification (germline): Uncertain significance. Review status: criteria provided, multiple submitters, no conflicts (2 of 4 stars). 2 submissions from 2 submitters: Uncertain significance (2). Last evaluated 2025-10-07.

Allele frequency attached by ClinVar (database versions not stated): gnomAD exomes below 0.00001; ExAC 0.00001.
gnomAD v4.1: 4 of 1,612,508 alleles (0.00025%); highest among the groups gnomAD compares: South Asian, 0.0044%; no homozygotes.

Submissions (2):

Ambry Genetics
Classification: Uncertain significance. Last evaluated: 2025-10-07. Review status: criteria provided, single submitter. Criteria: Ambry Variant Classification Scheme 2023. Collection method: clinical testing. Allele origin: germline.

Labcorp Genetics (formerly Invitae), Labcorp
Classification: Uncertain significance. Last evaluated: 2020-06-09. Review status: criteria provided, single submitter. Criteria: Invitae Variant Classification Sherloc (09022015). Collection method: clinical testing. Allele origin: germline.
Comment: This variant has not been reported in the literature in individuals with SAMD11-related conditions. This variant is present in population databases (rs775911538, ExAC 0.006%). This sequence change replaces aspartic acid with glutamic acid at codon 530 of the SAMD11 protein (p.Asp530Glu). The aspartic acid residue is highly conserved and there is a small physicochemical difference between aspartic acid and glutamic acid. Algorithms developed to predict the effect of missense changes on protein structure and function output the following: SIFT: "Deleterious"; PolyPhen-2: "Benign"; Align-GVGD: "Class C35". The glutamic acid amino acid residue is found in multiple mammalian species, suggesting that this missense change does not adversely affect protein function. These predictions have not been confirmed by published functional studies and their clinical significance is uncertain. In summary, the available evidence is currently insufficient to determine the role of this variant in disease. Therefore, it has been classified as a Variant of Uncertain Significance.

NM_001385641.1(SAMD11):c.2079T>G (p.Asp693Glu)

Genes: SAMD11 (sterile alpha motif domain containing 11; plus strand), LOC129929063 (ATAC-STARR-seq lymphoblastoid active region 4; plus strand). Cytogenetic location: 1p36.33.
Variant type: single nucleotide variant.
Coding change: c.2079T>G on transcript NM_001385641.1 (MANE Select); coding-DNA position 2079, T replaced by G.
Protein change: p.Asp693Glu; replaces aspartic acid 693 with glutamic acid.
Molecular consequence: missense variant.
Genome position (GRCh38, 1-based): chr1:943,278, T>G. VCF-style: chr1-943278-T-G. GRCh37 (hg19) VCF-style: chr1-878658-T-G.
Other names: c.2082T>G, p.Asp694Glu (NM_001385640.1); c.1590T>G, p.Asp530Glu (NM_152486.4); c.1590T>G (NM_152486.2); short protein forms D530E, D693E, D694E.
Identifiers: ClinVar variation 1004565 (VCV001004565.10), dbSNP rs775911538, ClinGen allele CA503134.